The following is an entry in ClinVar:

ClinVar aggregate classification (germline): Pathogenic (1 of 4 stars; one submission).

Conditions:
Hypertrophic cardiomyopathy 12. Identifiers: MedGen C2677491, MONDO:0012804, OMIM 612124.
Dilated cardiomyopathy 1M (CMD1M). Identifiers: Orphanet 154, MedGen C1843808, MONDO:0011840, OMIM 607482.

Submission:

Labcorp Genetics (formerly Invitae), Labcorp
Classification: Pathogenic for Hypertrophic cardiomyopathy 12; Dilated cardiomyopathy 1M. Last evaluated: 2023-07-21. Review status: criteria provided, single submitter. Criteria: Invitae Variant Classification Sherloc (09022015). Collection method: clinical testing. Allele origin: germline.
Comment: For these reasons, this variant has been classified as Pathogenic. Algorithms developed to predict the effect of sequence changes on RNA splicing suggest that this variant may disrupt the consensus splice site. ClinVar contains an entry for this variant (Variation ID: 1008253). This variant has not been reported in the literature in individuals affected with CSRP3-related conditions. This variant is not present in population databases (gnomAD no frequency). This sequence change creates a premature translational stop signal (p.Ser126*) in the CSRP3 gene. It is expected to result in an absent or disrupted protein product. Loss-of-function variants in CSRP3 are known to be pathogenic (PMID: 12642359, 14567970, 16352453, 20087448, 34558151).

Literature cited by the submitters: PubMed 12642359; PubMed 14567970; PubMed 16352453; PubMed 20087448; PubMed 34558151.

NM_003476.5(CSRP3):c.377C>G (p.Ser126Ter)

Gene: CSRP3 (cysteine and glycine rich protein 3; minus strand). Cytogenetic location: 11p15.1.
Variant type: single nucleotide variant.
Coding change: c.377C>G on transcript NM_003476.5 (MANE Select); coding-DNA position 377, C replaced by G.
Protein change: p.Ser126Ter; replaces serine 126 with a stop codon.
Molecular consequence: nonsense. On other transcripts: missense variant (1).
Genome position (GRCh38, 1-based): chr11:19,186,253, G>C on the plus strand (C>G on the coding strand, the complement: CSRP3 is on the minus strand). VCF-style: chr11-19186253-G-C. GRCh37 (hg19) VCF-style: chr11-19207800-G-C.
Other names: c.208C>G, p.Gln70Glu (NM_001369404.1); short protein forms Q70E, S126*.
Identifiers: ClinVar variation 1008253 (VCV001008253.7), dbSNP rs1850523074, ClinGen allele CA379887901.